The following is an entry in ClinVar:

NM_170754.4(TNS2):c.2122C>T (p.Arg708Trp)

Gene: TNS2 (tensin 2; plus strand). Cytogenetic location: 12q13.13.
Variant type: single nucleotide variant.
Coding change: c.2122C>T on transcript NM_170754.4 (MANE Select); coding-DNA position 2122, C replaced by T.
Protein change: p.Arg708Trp; replaces arginine 708 with tryptophan.
Molecular consequence: missense variant.
Genome position (GRCh38, 1-based): chr12:53,059,763, C>T. VCF-style: chr12-53059763-C-T. GRCh37 (hg19) VCF-style: chr12-53453547-C-T.
Other names: c.2122C>T, p.Arg708Trp (NM_001416202.1); c.2080C>T, p.Arg694Trp (NM_001416203.1); c.2149C>T, p.Arg717Trp (NM_001416204.1); c.2053C>T, p.Arg685Trp (NM_015319.3); c.1750C>T, p.Arg584Trp (NM_198316.2); short protein forms R718W, R584W, R708W, R685W, R694W, R717W.
Identifiers: ClinVar variation 1977273 (VCV001977273.6), dbSNP rs754578695, ClinGen allele CA6592536.

ClinVar aggregate classification (germline): Uncertain significance. Review status: criteria provided, multiple submitters, no conflicts (2 of 4 stars). 2 submissions from 2 submitters: Uncertain significance (2). Last evaluated 2025-08-12.

Allele frequency attached by ClinVar (database versions not stated): ExAC 0.00002; gnomAD exomes 0.00002; TOPMed 0.00003; gnomAD 0.00004.
gnomAD v4.1: 34 of 1,612,200 alleles (0.0021%); highest among the groups gnomAD compares: Non-Finnish European, 0.0026%; no homozygotes.

Submissions (2):

Ambry Genetics
Classification: Uncertain significance. Last evaluated: 2025-08-12. Review status: criteria provided, single submitter. Criteria: Ambry Variant Classification Scheme 2023. Collection method: clinical testing. Allele origin: germline.

Labcorp Genetics (formerly Invitae), Labcorp
Classification: Uncertain significance. Last evaluated: 2025-01-30. Review status: criteria provided, single submitter. Criteria: Invitae Variant Classification Sherloc (09022015). Collection method: clinical testing. Allele origin: germline.
Comment: This sequence change replaces arginine, which is basic and polar, with tryptophan, which is neutral and slightly polar, at codon 718 of the TNS2 protein (p.Arg718Trp). The frequency data for this variant in the population databases is considered unreliable, as metrics indicate poor data quality at this position in the gnomAD database. This variant has not been reported in the literature in individuals affected with TNS2-related conditions. ClinVar contains an entry for this variant (Variation ID: 1977273). An algorithm developed to predict the effect of missense changes on protein structure and function (PolyPhen-2) suggests that this variant is likely to be disruptive. In summary, the available evidence is currently insufficient to determine the role of this variant in disease. Therefore, it has been classified as a Variant of Uncertain Significance.